The following is an entry in ClinVar:

ClinVar aggregate classification (germline): Uncertain significance. Review status: criteria provided, multiple submitters, no conflicts (2 of 4 stars). 3 submissions from 3 submitters: Uncertain significance (2). 1 of the submissions does not count toward it. Last evaluated 2013-03-04.

Conditions:
CEP152-related disorder. Also called: CEP152-related condition; CEP152-related disorders. Identifiers: MedGen CN239248.
Microcephaly 9, primary, autosomal recessive. Identifiers: Orphanet 2512, MedGen C3553886, MONDO:0013923, OMIM 614852.

Allele frequency attached by ClinVar (database versions not stated): 1000 Genomes Project 0.00060; 1000 Genomes Project 30x 0.00078; gnomAD 0.00096; ESP Exome Variant Server 0.00102; TOPMed 0.00106.
gnomAD v4.1: 295 of 1,610,128 alleles (0.018%); highest among the groups gnomAD compares: African/African-American, 0.33%; no homozygotes.

Submissions (3):

Genetic Services Laboratory, University of Chicago
Classification: Uncertain significance for Microcephaly 9, primary, autosomal recessive. Last evaluated: 2013-03-04. Review status: criteria provided, single submitter. Criteria: ACMG Guidelines, 2007. Collection method: clinical testing. Allele origin: germline. Inheritance: Autosomal recessive inheritance.

Breakthrough Genomics
Classification: Uncertain significance. Review status: criteria provided, single submitter. Criteria: ACMG Guidelines, 2015. Collection method: not provided. Allele origin: germline. Inheritance: Autosomal recessive inheritance. Affected: yes.

PreventionGenetics, part of Exact Sciences
Classification: Likely benign for CEP152-related condition. Last evaluated: 2020-03-19. Review status: no assertion criteria provided. Collection method: clinical testing. Allele origin: germline. Not counted in ClinVar's aggregate classification.
Comment: This variant is classified as likely benign based on ACMG/AMP sequence variant interpretation guidelines (Richards et al. 2015 PMID: 25741868, with internal and published modifications).

NM_001194998.2(CEP152):c.*5G>A

Gene: CEP152 (centrosomal protein 152; minus strand). Cytogenetic location: 15q21.1.
Variant type: single nucleotide variant.
Coding change: c.*5G>A on transcript NM_001194998.2 (MANE Select); 5 bases downstream of the stop codon, G replaced by A.
Molecular consequence: 3 prime UTR variant.
Genome position (GRCh38, 1-based): chr15:48,738,244, C>T on the plus strand (G>A on the coding strand, the complement: CEP152 is on the minus strand). VCF-style: chr15-48738244-C-T. GRCh37 (hg19) VCF-style: chr15-49030441-C-T.
Other names: c.*5G>A (NM_014985.4, NM_001194998.1).
Identifiers: ClinVar variation 158222 (VCV000158222.9), dbSNP rs74012133, ClinGen allele CA210993.